The following is an entry in ClinVar:

ClinVar aggregate classification (germline): Uncertain significance. Review status: criteria provided, multiple submitters, no conflicts (2 of 4 stars). 6 submissions from 6 submitters: Uncertain significance (6). Last evaluated 2025-11-12.

Conditions:
Cardiac arrhythmia. Also called: Arrhythmia; Cardiac rhythm disease. Identifiers: MedGen C0003811, MONDO:0007263, HP:0011675.
Cardiovascular phenotype. Identifiers: MedGen CN230736.
Long QT syndrome 2 (LQT2). Identifiers: Orphanet 101016, Orphanet 768, MedGen C3150943, MONDO:0013367, OMIM 613688.
Short QT syndrome type 1. Identifiers: Orphanet 51083, MedGen C1865020, MONDO:0012312, OMIM 609620.
Long QT syndrome (LQTS). Identifiers: MedGen C0023976, MeSH D008133, MONDO:0002442. Disease mechanism: loss of function. Inheritance: Various modes of inheritance.

Allele frequency attached by ClinVar (database versions not stated): TOPMed 0.00001.
gnomAD v4.1: 13 of 1,532,754 alleles (0.00085%); highest among the groups gnomAD compares: African/African-American, 0.0041%; no homozygotes.

Submissions (6):

Labcorp Genetics (formerly Invitae), Labcorp
Classification: Uncertain significance for Long QT syndrome. Last evaluated: 2025-11-12. Review status: criteria provided, single submitter. Criteria: Invitae Variant Classification Sherloc (09022015). Collection method: clinical testing. Allele origin: germline.
Comment: This sequence change replaces glycine, which is neutral and non-polar, with alanine, which is neutral and non-polar, at codon 925 of the KCNH2 protein (p.Gly925Ala). The frequency data for this variant in the population databases is considered unreliable, as metrics indicate poor data quality at this position in the gnomAD database. This missense change has been observed in individual(s) with KCNH2-related conditions (PMID: 35352813). ClinVar contains an entry for this variant (Variation ID: 200495). An algorithm developed to predict the effect of missense changes on protein structure and function (PolyPhen-2) suggests that this variant is likely to be tolerated. In summary, the available evidence is currently insufficient to determine the role of this variant in disease. Therefore, it has been classified as a Variant of Uncertain Significance.

Color Diagnostics, LLC DBA Color Health
Classification: Uncertain significance for Cardiac arrhythmia. Last evaluated: 2024-02-13. Review status: criteria provided, single submitter. Criteria: ACMG Guidelines, 2015. Collection method: clinical testing. Allele origin: germline.
Comment: This missense variant replaces glycine with alanine at codon 925 of the KCNH2 protein. Computational prediction suggests that this variant may not impact protein structure and function. To our knowledge, functional studies have not been reported for this variant. This variant has not been reported in individuals affected with KCNH2-related disorders in the literature. This variant has been identified in 1/128904 chromosomes in the general population by the Genome Aggregation Database (gnomAD). The available evidence is insufficient to determine the role of this variant in disease conclusively. Therefore, this variant is classified as a Variant of Uncertain Significance.

Ambry Genetics
Classification: Uncertain significance for Cardiovascular phenotype. Last evaluated: 2023-07-24. Review status: criteria provided, single submitter. Criteria: Ambry Variant Classification Scheme 2023. Collection method: clinical testing. Allele origin: germline.
Comment: The p.G925A variant (also known as c.2774G>C), located in coding exon 12 of the KCNH2 gene, results from a G to C substitution at nucleotide position 2774. The glycine at codon 925 is replaced by alanine, an amino acid with similar properties. This amino acid position is well conserved in available vertebrate species. In addition, the in silico prediction for this alteration is inconclusive. Since supporting evidence is limited at this time, the clinical significance of this alteration remains unclear.

Blueprint Genetics
Classification: Uncertain significance. Last evaluated: 2023-05-15. Review status: criteria provided, single submitter. Criteria: ACMG Guidelines, 2015. Collection method: clinical testing. Allele origin: germline.

Fulgent Genetics
Classification: Uncertain significance for Short QT syndrome type 1; Long QT syndrome 2. Last evaluated: 2021-11-16. Review status: criteria provided, single submitter. Criteria: ACMG Guidelines, 2015. Collection method: clinical testing. Allele origin: unknown.

GeneDx
Classification: Uncertain significance. Last evaluated: 2018-08-17. Review status: criteria provided, single submitter. Criteria: GeneDx Variant Classification (06012015). Collection method: clinical testing. Allele origin: germline. Affected: yes.
Comment: A variant of uncertain significance has been identified in the KCNH2 gene. The G925A variant has not been published as pathogenic or been reported as benign to our knowledge. This variant is not observed in large population cohorts (Lek et al., 2016). However, segregation data are limited for this family due to the lack of clinical information provided. The G925A variant is a conservative amino acid substitution, which is not likely to impact secondary protein structure as these residues share similar properties. Furthermore, in-silico analyses, including protein predictors and evolutionary conservation, support that this variant does not alter protein structure/function.Therefore, based on the currently available information, it is unclear whether this variant is pathogenic or benign.

Literature cited by the submitters: PubMed 35352813 (cited by Labcorp Genetics (formerly Invitae), Labcorp).

NM_000238.4(KCNH2):c.2774G>C (p.Gly925Ala)

Gene: KCNH2 (potassium voltage-gated channel subfamily H member 2; minus strand). Cytogenetic location: 7q36.1.
Variant type: single nucleotide variant.
Coding change: c.2774G>C on transcript NM_000238.4 (MANE Select); coding-DNA position 2774, G replaced by C.
Protein change: p.Gly925Ala; replaces glycine 925 with alanine.
Molecular consequence: missense variant.
Genome position (GRCh38, 1-based): chr7:150,947,797, C>G on the plus strand (G>C on the coding strand, the complement: KCNH2 is on the minus strand). VCF-style: chr7-150947797-C-G. GRCh37 (hg19) VCF-style: chr7-150644885-C-G.
Other names: p.G925A:GGG>GCG; c.2486G>C, p.Gly829Ala (NM_001406753.1); c.1754G>C, p.Gly585Ala (NM_172057.3); short protein forms G585A, G925A, G829A.
Identifiers: ClinVar variation 200495 (VCV000200495.11), dbSNP rs794728398, ClinGen allele CA007391.
Genomic context (GRCh38, chr7:150,947,797, plus strand): 5'-CCCTCATCCTCACTGCTCTCAGGGCTGGAGGGGCCACTGGACGGGCTCTCCCCCCACGGC[C>G]CCCCCGGCCGGCCCCGGCTACTCGGCCCTGCCCCCGCCCGGCCCGGCCCCAAGGCCGACA-3'
Protein context (NP_000229.1, residues 915-935): AGPSSRGRPG[Gly925Ala]PWGESPSSGP